The following is an entry in ClinVar:

NM_005359.6(SMAD4):c.84A>G (p.Gln28=)

Gene: SMAD4 (SMAD family member 4; plus strand). Cytogenetic location: 18q21.2.
Variant type: single nucleotide variant.
Coding change: c.84A>G on transcript NM_005359.6 (MANE Select); coding-DNA position 84, A replaced by G.
Protein change: p.Gln28=; no amino-acid change (glutamine 28 retained).
Molecular consequence: synonymous variant.
Genome position (GRCh38, 1-based): chr18:51,047,130, A>G. VCF-style: chr18-51047130-A-G. GRCh37 (hg19) VCF-style: chr18-48573500-A-G.
Identifiers: ClinVar variation 460569 (VCV000460569.27), dbSNP rs778465458, ClinGen allele CA8965725.

ClinVar aggregate classification (germline): Benign/Likely benign. Review status: criteria provided, multiple submitters, no conflicts (2 of 4 stars). 11 submissions from 11 submitters: Benign (4); Likely benign (7). Last evaluated 2026-02-04.

Conditions:
Juvenile polyposis syndrome (JPS). Identifiers: Orphanet 2929, MedGen C0345893, MONDO:0017380, OMIM 174900.
Hereditary cancer-predisposing syndrome. Also called: Neoplastic Syndromes, Hereditary; Hereditary Cancer Syndrome; Hereditary neoplastic syndrome; Tumor predisposition. Identifiers: Orphanet 140162, MedGen C0027672, MeSH D009386, MONDO:0015356.
Familial thoracic aortic aneurysm and aortic dissection (TAAD). Also called: Thoracic aortic aneurysms and dissections. Identifiers: Orphanet 91387, MedGen C4707243, MONDO:0019625.
Juvenile polyposis/hereditary hemorrhagic telangiectasia syndrome (JPHT). Also called: TELANGIECTASIA, HEREDITARY HEMORRHAGIC, WITH JUVENILE POLYPOSIS COLI; Juvenile Polyposis Syndrome / Hereditary Hemorrhagic Telangiectasia (JPS/HHT); JP/HHT SYNDROME; JUVENILE POLYPOSIS WITH HEREDITARY HEMORRHAGIC TELANGIECTASIA; POLYPOSIS, GENERALIZED JUVENILE, WITH PULMONARY ARTERIOVENOUS MALFORMATION. Identifiers: Orphanet 2929, MedGen C1832942, MONDO:0008278, OMIM 175050.

Allele frequency attached by ClinVar (database versions not stated): ExAC 0.00002; gnomAD exomes 0.00002 and 0.00004; TOPMed 0.00002; gnomAD 0.00003.
gnomAD v4.1: 15 of 1,613,998 alleles (0.00093%); highest among the groups gnomAD compares: Admixed American, 0.013%; 1 homozygote.

Submissions (11):

Labcorp Genetics (formerly Invitae), Labcorp
Classification: Likely benign for Juvenile polyposis syndrome. Last evaluated: 2026-02-04. Review status: criteria provided, single submitter. Criteria: Invitae Variant Classification Sherloc (09022015). Collection method: clinical testing. Allele origin: germline.

Myriad Genetics, Inc.
Classification: Benign for Juvenile polyposis/hereditary hemorrhagic telangiectasia syndrome. Last evaluated: 2025-03-18. Review status: criteria provided, single submitter. Criteria: Myriad Autosomal Dominant, Autosomal Recessive and X-Linked Classification Criteria (2023). Collection method: clinical testing. Allele origin: unknown.
Comment: This variant is considered benign. This variant is a silent/synonymous amino acid change and it is not expected to impact splicing.

Women's Health and Genetics/Laboratory Corporation of America, LabCorp
Classification: Benign. Last evaluated: 2024-07-11. Review status: criteria provided, single submitter. Criteria: LabCorp Variant Classification Summary - May 2015. Collection method: clinical testing. Allele origin: germline.

All of Us Research Program, National Institutes of Health
Classification: Likely benign for Juvenile polyposis/hereditary hemorrhagic telangiectasia syndrome. Last evaluated: 2023-12-13. Review status: criteria provided, single submitter. Criteria: ACMG Guidelines, 2015. Collection method: clinical testing. Allele origin: germline. Inheritance: Autosomal dominant inheritance. Observed: 6 variant alleles, 6 heterozygotes.
Comment: This study involves interpretation of variants in research participants for the purpose of population health screening. Participant phenotype was not available at the time of variant classification. Additional details can be found in publication PMID: 35346344, PMCID: PMC8962531

Quest Diagnostics Nichols Institute San Juan Capistrano
Classification: Benign. Last evaluated: 2021-01-15. Review status: criteria provided, single submitter. Criteria: Quest Diagnostics criteria. Collection method: clinical testing. Allele origin: unknown.

Sema4
Classification: Likely benign for Hereditary cancer-predisposing syndrome. Last evaluated: 2020-11-09. Review status: criteria provided, single submitter. Criteria: Sema4 Curation Guidelines. Collection method: curation. Allele origin: germline.

Blueprint Genetics
Classification: Likely benign. Last evaluated: 2020-04-30. Review status: criteria provided, single submitter. Criteria: ACMG Guidelines, 2015. Collection method: clinical testing. Allele origin: germline.

PreventionGenetics, part of Exact Sciences
Classification: Likely benign. Last evaluated: 2017-11-21. Review status: criteria provided, single submitter. Criteria: ACMG Guidelines, 2015. Collection method: clinical testing. Allele origin: germline.

Color Diagnostics, LLC DBA Color Health
Classification: Likely benign for Hereditary cancer-predisposing syndrome. Last evaluated: 2017-05-22. Review status: criteria provided, single submitter. Criteria: ACMG Guidelines, 2015. Collection method: clinical testing. Allele origin: germline.

GeneDx
Classification: Benign. Last evaluated: 2015-03-03. Review status: criteria provided, single submitter. Criteria: GeneDx Variant Classification Process June 2021. Collection method: clinical testing. Allele origin: germline. Affected: yes.

Ambry Genetics
Classification: Likely benign for Hereditary cancer-predisposing syndrome; Familial thoracic aortic aneurysm and aortic dissection. Last evaluated: 2015-02-04. Review status: criteria provided, single submitter. Criteria: Ambry Variant Classification Scheme 2023. Collection method: clinical testing. Allele origin: germline.